The following is an entry in ClinVar:

NM_014251.3(SLC25A13):c.69G>T (p.Lys23Asn)

Gene: SLC25A13 (solute carrier family 25 member 13; minus strand). Cytogenetic location: 7q21.3.
Variant type: single nucleotide variant.
Coding change: c.69G>T on transcript NM_014251.3 (MANE Select); coding-DNA position 69, G replaced by T.
Protein change: p.Lys23Asn; replaces lysine 23 with asparagine.
Molecular consequence: missense variant. On other transcripts: non-coding transcript variant (1).
Genome position (GRCh38, 1-based): chr7:96,296,898, C>A on the plus strand (G>T on the coding strand, the complement: SLC25A13 is on the minus strand). VCF-style: chr7-96296898-C-A. GRCh37 (hg19) VCF-style: chr7-95926210-C-A.
Other names: c.69G>T, p.Lys23Asn (NM_001160210.2); short protein forms K23N.
Identifiers: ClinVar variation 4847551 (VCV004847551.1).

ClinVar aggregate classification (germline): Uncertain significance (1 of 4 stars; one submission).

Submission:

Women's Health and Genetics/Laboratory Corporation of America, LabCorp
Classification: Uncertain significance. Last evaluated: 2026-03-02. Review status: criteria provided, single submitter. Criteria: LabCorp Variant Classification Summary - May 2015. Collection method: clinical testing. Allele origin: germline.
Comment: Variant summary: SLC25A13 c.69G>T (p.Lys23Asn) results in a non-conservative amino acid change in the encoded protein sequence. Algorithms developed to predict the effect of missense changes on protein structure and function all suggest that this variant is likely to be disruptive. Several computational tools predict a significant impact on normal splicing: Two predict the variant abolishes a 5' splicing donor site. Two predict the variant weakens a 5' donor site. However, these predictions have yet to be confirmed by functional studies. The variant was absent in 251098 control chromosomes. The available data on variant occurrences in the general population are insufficient to allow any conclusion about variant significance. To our knowledge, no occurrence of c.69G>T in individuals affected with SLC25A13-related conditions and no experimental evidence demonstrating its impact on protein function have been reported. No submitters have cited clinical-significance assessments for this variant to ClinVar. Based on the evidence outlined above, the variant was classified as uncertain significance.